The following is an entry in ClinVar:

NM_014254.3(RXYLT1):c.1178C>G (p.Pro393Arg)

Genes: RXYLT1 (ribitol xylosyltransferase 1; plus strand), RXYLT1-AS1 (RXYLT1 antisense RNA 1; minus strand). Cytogenetic location: 12q14.2.
Variant type: single nucleotide variant.
Coding change: c.1178C>G on transcript NM_014254.3 (MANE Select); coding-DNA position 1178, C replaced by G.
Protein change: p.Pro393Arg; replaces proline 393 with arginine.
Molecular consequence: missense variant. On other transcripts: non-coding transcript variant (1).
Genome position (GRCh38, 1-based): chr12:63,808,938, C>G. VCF-style: chr12-63808938-C-G. GRCh37 (hg19) VCF-style: chr12-64202718-C-G.
Other names: c.398C>G, p.Pro133Arg (NM_001278237.2); short protein forms P133R, P393R.
Identifiers: ClinVar variation 1060535 (VCV001060535.7), dbSNP rs2136235347, ClinGen allele CA385660349.

ClinVar aggregate classification (germline): Uncertain significance (1 of 4 stars; one submission).

Submission:

Labcorp Genetics (formerly Invitae), Labcorp
Classification: Uncertain significance. Last evaluated: 2025-08-18. Review status: criteria provided, single submitter. Criteria: Invitae Variant Classification Sherloc (09022015). Collection method: clinical testing. Allele origin: germline.
Comment: This sequence change replaces proline, which is neutral and non-polar, with arginine, which is basic and polar, at codon 393 of the RXYLT1 protein (p.Pro393Arg). This variant is not present in population databases (gnomAD no frequency). This variant has not been reported in the literature in individuals affected with RXYLT1-related conditions. ClinVar contains an entry for this variant (Variation ID: 1060535). Invitae Evidence Modeling of protein sequence and biophysical properties (such as structural, functional, and spatial information, amino acid conservation, physicochemical variation, residue mobility, and thermodynamic stability) indicates that this missense variant is not expected to disrupt RXYLT1 protein function with a negative predictive value of 80%. In summary, the available evidence is currently insufficient to determine the role of this variant in disease. Therefore, it has been classified as a Variant of Uncertain Significance.